The following is an entry in ClinVar:

ClinVar aggregate classification (germline): Uncertain significance (1 of 4 stars; one submission).

Conditions:
DK1-congenital disorder of glycosylation. Also called: DOLK-congenital disorder of glycosylation; Carbohydrate deficient glycoprotein syndrome type 1m; DK1-CDG; DK1 DEFICIENCY; DOLICHOL KINASE DEFICIENCY; CONGENITAL DISORDER OF GLYCOSYLATION, TYPE Im. Identifiers: Orphanet 91131, MedGen C1835849, MONDO:0012556, OMIM 610768.

Submission:

Labcorp Genetics (formerly Invitae), Labcorp
Classification: Uncertain significance for DK1-congenital disorder of glycosylation. Last evaluated: 2023-04-24. Review status: criteria provided, single submitter. Criteria: Invitae Variant Classification Sherloc (09022015). Collection method: clinical testing. Allele origin: germline.
Comment: This sequence change replaces phenylalanine, which is neutral and non-polar, with leucine, which is neutral and non-polar, at codon 174 of the DOLK protein (p.Phe174Leu). In summary, the available evidence is currently insufficient to determine the role of this variant in disease. Therefore, it has been classified as a Variant of Uncertain Significance. Advanced modeling of protein sequence and biophysical properties (such as structural, functional, and spatial information, amino acid conservation, physicochemical variation, residue mobility, and thermodynamic stability) performed at Invitae indicates that this missense variant is expected to disrupt DOLK protein function. ClinVar contains an entry for this variant (Variation ID: 1715823). This variant has not been reported in the literature in individuals affected with DOLK-related conditions. This variant is not present in population databases (gnomAD no frequency).

NM_014908.4(DOLK):c.520T>C (p.Phe174Leu)

Gene: DOLK (dolichol kinase; minus strand). Cytogenetic location: 9q34.11.
Variant type: single nucleotide variant.
Coding change: c.520T>C on transcript NM_014908.4 (MANE Select); coding-DNA position 520, T replaced by C.
Protein change: p.Phe174Leu; replaces phenylalanine 174 with leucine.
Molecular consequence: missense variant.
Genome position (GRCh38, 1-based): chr9:128,946,784, A>G on the plus strand (T>C on the coding strand, the complement: DOLK is on the minus strand). VCF-style: chr9-128946784-A-G. GRCh37 (hg19) VCF-style: chr9-131709063-A-G.
Other names: short protein forms F174L.
Identifiers: ClinVar variation 1715823 (VCV001715823.6), dbSNP rs2492004795, ClinGen allele CA375125222.
Genomic context (GRCh38, chr9:128,946,784, plus strand): 5'-CCTCACCAGGGGTGAAGCAGCGGGGCAGCAGGTACAGCAGGATCATGTTGAGATAAACGA[A>G]GATCAGAAGGACTTCCAGGACTTCGATCACCTCCCCCACGCTCAACGAGTGCTTCATGAT-3'
Protein context (NP_055723.1, residues 164-184): VIEVLEVLLI[Phe174Leu]VYLNMILLYL